The following is an entry in ClinVar:

NM_005045.4(RELN):c.1745C>A (p.Thr582Lys)

Gene: RELN (reelin; minus strand). Cytogenetic location: 7q22.1.
Variant type: single nucleotide variant.
Coding change: c.1745C>A on transcript NM_005045.4 (MANE Select); coding-DNA position 1745, C replaced by A.
Protein change: p.Thr582Lys; replaces threonine 582 with lysine.
Molecular consequence: missense variant.
Genome position (GRCh38, 1-based): chr7:103,652,569, G>T on the plus strand (C>A on the coding strand, the complement: RELN is on the minus strand). VCF-style: chr7-103652569-G-T. GRCh37 (hg19) VCF-style: chr7-103293016-G-T.
Other names: c.1745C>A, p.Thr582Lys (NM_173054.3); short protein forms T582K.
Identifiers: ClinVar variation 2937416 (VCV002937416.3), dbSNP rs1038574999, ClinGen allele CA368765320.
Genomic context (GRCh38, chr7:103,652,569, plus strand): 5'-CTCATTTTTAGTTTTGCACACTTACAAAATAGGGCTTCCTACCTGTTACCAGGCTGATGC[G>T]TTCCACATCCCAGATTGATGGAAAACTGTATCATGTGAGACATTGTAGAAGGGAGAACAG-3'
Protein context (NP_005036.2, residues 572-592): IQFSINLGCG[Thr582Lys]HQPGNSVSLE

ClinVar aggregate classification (germline): Uncertain significance (1 of 4 stars; one submission).

Conditions:
Norman-Roberts syndrome (LIS2). Also called: Lissencephaly 2 (Norman-Roberts type). Identifiers: Orphanet 89844, MedGen C0796089, MONDO:0009760, OMIM 257320.
Familial temporal lobe epilepsy 7. Identifiers: Orphanet 101046, MedGen C4225327, MONDO:0014639, OMIM 616436.

gnomAD v4.1: 1 of 1,612,522 alleles (0.000062%); highest among the groups gnomAD compares: Non-Finnish European, 0.000085%; no homozygotes.

Submission:

Labcorp Genetics (formerly Invitae), Labcorp
Classification: Uncertain significance for Familial temporal lobe epilepsy 7; Norman-Roberts syndrome. Last evaluated: 2023-09-22. Review status: criteria provided, single submitter. Criteria: Invitae Variant Classification Sherloc (09022015). Collection method: clinical testing. Allele origin: germline.
Comment: This variant has not been reported in the literature in individuals affected with RELN-related conditions. Advanced modeling of protein sequence and biophysical properties (such as structural, functional, and spatial information, amino acid conservation, physicochemical variation, residue mobility, and thermodynamic stability) performed at Invitae indicates that this missense variant is not expected to disrupt RELN protein function. In summary, the available evidence is currently insufficient to determine the role of this variant in disease. Therefore, it has been classified as a Variant of Uncertain Significance. This variant is not present in population databases (gnomAD no frequency). This sequence change replaces threonine, which is neutral and polar, with lysine, which is basic and polar, at codon 582 of the RELN protein (p.Thr582Lys).